The following is an entry in ClinVar:

NM_000219.6(KCNE1):c.261G>T (p.Trp87Cys)

Gene: KCNE1 (potassium voltage-gated channel subfamily E regulatory subunit 1; minus strand). Cytogenetic location: 21q22.12.
Variant type: single nucleotide variant.
Coding change: c.261G>T on transcript NM_000219.6 (MANE Select); coding-DNA position 261, G replaced by T.
Protein change: p.Trp87Cys; replaces tryptophan 87 with cysteine.
Molecular consequence: missense variant.
Genome position (GRCh38, 1-based): chr21:34,449,374, C>A on the plus strand (G>T on the coding strand, the complement: KCNE1 is on the minus strand). VCF-style: chr21-34449374-C-A. GRCh37 (hg19) VCF-style: chr21-35821672-C-A.
Other names: c.261G>T, p.Trp87Cys (NM_001127668.4, NM_001127669.4, NM_001127670.4 and 4 more transcripts); short protein forms W87C.
Identifiers: ClinVar variation 3374470 (VCV003374470.2).

Conditions:
Long QT syndrome 5 (LQT5). Identifiers: Orphanet 101016, Orphanet 768, MedGen C1867904, MONDO:0013372, OMIM 613695.

Submission:

Roden Lab, Vanderbilt University Medical Center
No classification provided (evidence only). Condition: Long QT syndrome 5. Review status: no classification provided. Collection method: in vitro. Allele origin: not applicable. Functional consequence: Effect on ion channel function.
ClinVar note: "not provided" was previously submitted as the classification for the variant. However, the classification appeared to be based only on an observation of functional data so it was converted to no classification on 2025-07-30.